The following is an entry in ClinVar:

NM_000540.3(RYR1):c.13852G>A (p.Glu4618Lys)

Gene: RYR1 (ryanodine receptor 1; plus strand). Cytogenetic location: 19q13.2.
Variant type: single nucleotide variant.
Coding change: c.13852G>A on transcript NM_000540.3 (MANE Select); coding-DNA position 13852, G replaced by A.
Protein change: p.Glu4618Lys; replaces glutamic acid 4618 with lysine.
Molecular consequence: missense variant.
Genome position (GRCh38, 1-based): chr19:38,572,124, G>A. VCF-style: chr19-38572124-G-A. GRCh37 (hg19) VCF-style: chr19-39062764-G-A.
Other names: c.13837G>A, p.Glu4613Lys (NM_001042723.2); short protein forms E4613K, E4618K.
Identifiers: ClinVar variation 3070621 (VCV003070621.1), dbSNP rs1277330815, ClinGen allele CA081022.

ClinVar aggregate classification (germline): Uncertain significance (1 of 4 stars; one submission).

Conditions:
Malignant hyperthermia, susceptibility to, 1 (MHS1). Also called: Anesthesia related hyperthermia; Malignant hyperpyrexia; Fulminating hyperpyrexia; Pharmacogenic myopathy; RYR1-Related Malignant Hyperthermia Susceptibility; Malignant hyperthermia suceptibility 1. Identifiers: Orphanet 423, MedGen C2930980, MONDO:0007783, OMIM 145600.

Allele frequency attached by ClinVar (database versions not stated): gnomAD exomes 0.00001.
gnomAD v4.1: 12 of 1,613,664 alleles (0.00074%); highest among the groups gnomAD compares: South Asian, 0.0011%; no homozygotes.

Submission:

All of Us Research Program, National Institutes of Health
Classification: Uncertain significance for Malignant hyperthermia, susceptibility to, 1. Last evaluated: 2023-04-27. Review status: criteria provided, single submitter. Criteria: ACMG Guidelines, 2015. Collection method: clinical testing. Allele origin: germline. Inheritance: Autosomal dominant inheritance. Observed: 1 variant allele, 1 heterozygote.
Comment: This study involves interpretation of variants in research participants for the purpose of population health screening. Participant phenotype was not available at the time of variant classification. Additional details can be found in publication PMID: 35346344, PMCID: PMC8962531